The following is an entry in ClinVar:

NM_015001.3(SPEN):c.1004T>C (p.Phe335Ser)

Gene: SPEN (spen family transcriptional repressor; plus strand). Cytogenetic location: 1p36.13.
Variant type: single nucleotide variant.
Coding change: c.1004T>C on transcript NM_015001.3 (MANE Select); coding-DNA position 1004, T replaced by C.
Protein change: p.Phe335Ser; replaces phenylalanine 335 with serine.
Molecular consequence: missense variant.
Genome position (GRCh38, 1-based): chr1:15,909,443, T>C. VCF-style: chr1-15909443-T-C. GRCh37 (hg19) VCF-style: chr1-16235938-T-C.
Other names: short protein forms F335S.
Identifiers: ClinVar variation 4537696 (VCV004537696.1).

ClinVar aggregate classification (germline): Uncertain significance (1 of 4 stars; one submission).

gnomAD v4.1: 2 of 1,614,200 alleles (0.00012%); highest among the groups gnomAD compares: Non-Finnish European, 0.00017%; no homozygotes.

Submission:

GeneDx
Classification: Uncertain significance. Last evaluated: 2025-06-12. Review status: criteria provided, single submitter. Criteria: GeneDx Variant Classification Process June 2021. Collection method: clinical testing. Allele origin: germline. Affected: yes.
Comment: Not observed at significant frequency in large population cohorts (gnomAD); In silico analysis supports that this missense variant has a deleterious effect on protein structure/function; Has not been previously published as pathogenic or benign to our knowledge